The following is an entry in ClinVar:

NM_170699.3(GPBAR1):c.891G>A (p.Arg297=)

Gene: GPBAR1 (G protein-coupled bile acid receptor 1; plus strand). Cytogenetic location: 2q35.
Variant type: single nucleotide variant.
Coding change: c.891G>A on transcript NM_170699.3 (MANE Select); coding-DNA position 891, G replaced by A.
Protein change: p.Arg297=; no amino-acid change (arginine 297 retained).
Molecular consequence: synonymous variant.
Genome position (GRCh38, 1-based): chr2:218,263,615, G>A. VCF-style: chr2-218263615-G-A. GRCh37 (hg19) VCF-style: chr2-219128338-G-A.
Other names: c.891G>A, p.Arg297= (NM_001077191.2, NM_001077194.2, NM_001321950.2).
Identifiers: ClinVar variation 4978389 (VCV004978389.1).

ClinVar aggregate classification (germline): Likely benign (1 of 4 stars; one submission).

Conditions:
GPBAR1-related disorder. Also called: GPBAR1-related condition.

Submission:

PreventionGenetics, part of Exact Sciences
Classification: Likely benign for GPBAR1-related condition. Last evaluated: 2026-08-11. Review status: criteria provided, single submitter. Criteria: ACMG Guidelines, 2015. Collection method: clinical testing. Allele origin: germline.
Comment: This variant is classified as likely benign based on ACMG/AMP sequence variant interpretation guidelines (Richards et al. 2015 PMID: 25741868, with internal and published modifications).